The following is an entry in ClinVar:

NM_000268.4(NF2):c.730T>C (p.Tyr244His)

Gene: NF2 (NF2, moesin-ezrin-radixin like (MERLIN) tumor suppressor; plus strand). Cytogenetic location: 22q12.2.
Variant type: single nucleotide variant.
Coding change: c.730T>C on transcript NM_000268.4 (MANE Select); coding-DNA position 730, T replaced by C.
Protein change: p.Tyr244His; replaces tyrosine 244 with histidine.
Molecular consequence: missense variant. On other transcripts: non-coding transcript variant (1), intron variant (4).
Genome position (GRCh38, 1-based): chr22:29,661,259, T>C. VCF-style: chr22-29661259-T-C. GRCh37 (hg19) VCF-style: chr22-30057248-T-C.
Other names: c.604T>C, p.Tyr202His (NM_181828.3, NM_001407055.1); c.607T>C, p.Tyr203His (NM_181829.3, NM_001407054.1, NM_001407058.1); c.481T>C, p.Tyr161His (NM_181830.3, NM_181831.3, NM_001407063.1 and 1 more transcripts); c.616T>C, p.Tyr206His (NM_001407053.1, NM_001407056.1); c.730T>C, p.Tyr244His (NM_001407060.1, NM_001407066.1, NM_016418.5 and 2 more transcripts); c.196T>C, p.Tyr66His (NM_001407065.1); c.499T>C, p.Tyr167His (NM_001407067.1); c.675+2995T>C (NM_001407059.1, NM_001407057.1); and 2 more; short protein forms Y203H, Y206H, Y66H, Y167H, Y202H, Y244H, Y161H.
Identifiers: ClinVar variation 2587699 (VCV002587699.2), dbSNP rs2147009055, ClinGen allele CA411143842.
Genomic context (GRCh38, chr22:29,661,259, plus strand): 5'-CCACAGAATAAAAAGGGCACAGAGCTGCTGCTTGGAGTGGATGCCCTGGGGCTTCACATT[T>C]ATGACCCTGAGAACAGACTGACCCCCAAGATCTCCTTCCCGTGGAATGAAATCCGAAACA-3'
Protein context (NP_000259.1, residues 234-254): LGVDALGLHI[Tyr244His]DPENRLTPKI

ClinVar aggregate classification (germline): Uncertain significance (1 of 4 stars; one submission).

Conditions:
Hereditary cancer-predisposing syndrome. Also called: Tumor predisposition; Hereditary Cancer Syndrome; Hereditary neoplastic syndrome; Neoplastic Syndromes, Hereditary. Identifiers: Orphanet 140162, MedGen C0027672, MeSH D009386, MONDO:0015356.

Submission:

Ambry Genetics
Classification: Uncertain significance for Hereditary cancer-predisposing syndrome. Last evaluated: 2023-07-11. Review status: criteria provided, single submitter. Criteria: Ambry Variant Classification Scheme 2023. Collection method: clinical testing. Allele origin: germline.
Comment: The p.Y244H variant (also known as c.730T>C), located in coding exon 8 of the NF2 gene, results from a T to C substitution at nucleotide position 730. The tyrosine at codon 244 is replaced by histidine, an amino acid with similar properties. This amino acid position is highly conserved in available vertebrate species. In addition, this alteration is predicted to be deleterious by in silico analysis. Since supporting evidence is limited at this time, the clinical significance of this alteration remains unclear.